The following is an entry in ClinVar:

ClinVar aggregate classification (germline): Conflicting classifications of pathogenicity. Review status: criteria provided, conflicting classifications (1 of 4 stars). 5 submissions from 5 submitters: Uncertain significance (4); Likely benign (1). Last evaluated 2025-07-14.

Conditions:
Hereditary cancer-predisposing syndrome. Also called: Hereditary Cancer Syndrome; Neoplastic Syndromes, Hereditary; Tumor predisposition; Hereditary neoplastic syndrome. Identifiers: Orphanet 140162, MedGen C0027672, MeSH D009386, MONDO:0015356.
Fanconi anemia complementation group J. Also called: BRIP1-Related Fanconi Anemia. Identifiers: Orphanet 84, MedGen C1836860, MONDO:0012187, OMIM 609054.
Familial cancer of breast. Also called: Hereditary breast cancer; hereditary breast carcinoma; BREAST CANCER, FAMILIAL. Identifiers: Orphanet 227535, MedGen C0346153, MONDO:0016419, OMIM 114480. Disease mechanism: loss of function.

Allele frequency attached by ClinVar (database versions not stated): gnomAD exomes below 0.00001; ExAC 0.00001.
gnomAD v4.1: 2 of 1,613,798 alleles (0.00012%); highest among the groups gnomAD compares: Non-Finnish European, 0.00017%; no homozygotes.

Submissions (5):

Color Diagnostics, LLC DBA Color Health
Classification: Likely benign for Hereditary cancer-predisposing syndrome. Last evaluated: 2025-07-14. Review status: criteria provided, single submitter. Criteria: ACMG Guidelines, 2015. Collection method: clinical testing. Allele origin: germline.

Ambry Genetics
Classification: Uncertain significance for Hereditary cancer-predisposing syndrome. Last evaluated: 2025-04-04. Review status: criteria provided, single submitter. Criteria: Ambry Variant Classification Scheme 2023. Collection method: clinical testing. Allele origin: germline.
Comment: The p.S204A variant (also known as c.610T>G), located in coding exon 5 of the BRIP1 gene, results from a T to G substitution at nucleotide position 610. The serine at codon 204 is replaced by alanine, an amino acid with similar properties. This amino acid position is well conserved in available vertebrate species. In addition, this alteration is predicted to be tolerated by in silico analysis. Since supporting evidence is limited at this time, the clinical significance of this alteration remains unclear.

Labcorp Genetics (formerly Invitae), Labcorp
Classification: Uncertain significance for Familial cancer of breast; Fanconi anemia complementation group J. Last evaluated: 2024-04-16. Review status: criteria provided, single submitter. Criteria: Invitae Variant Classification Sherloc (09022015). Collection method: clinical testing. Allele origin: germline.
Comment: This sequence change replaces serine, which is neutral and polar, with alanine, which is neutral and non-polar, at codon 204 of the BRIP1 protein (p.Ser204Ala). This variant is present in population databases (rs761401027, gnomAD 0.0009%). This variant has not been reported in the literature in individuals affected with BRIP1-related conditions. ClinVar contains an entry for this variant (Variation ID: 233008). Advanced modeling of protein sequence and biophysical properties (such as structural, functional, and spatial information, amino acid conservation, physicochemical variation, residue mobility, and thermodynamic stability) performed at Invitae indicates that this missense variant is not expected to disrupt BRIP1 protein function with a negative predictive value of 80%. In summary, the available evidence is currently insufficient to determine the role of this variant in disease. Therefore, it has been classified as a Variant of Uncertain Significance.

Baylor Genetics
Classification: Uncertain significance for Familial cancer of breast. Last evaluated: 2023-12-23. Review status: criteria provided, single submitter. Criteria: ACMG Guidelines, 2015. Collection method: clinical testing. Allele origin: unknown.

GeneDx
Classification: Uncertain significance. Last evaluated: 2022-05-12. Review status: criteria provided, single submitter. Criteria: GeneDx Variant Classification Process June 2021. Collection method: clinical testing. Allele origin: germline. Affected: yes.
Comment: Not observed at significant frequency in large population cohorts (gnomAD); In silico analysis supports that this missense variant does not alter protein structure/function; Has not been previously published as pathogenic or benign to our knowledge

NM_032043.3(BRIP1):c.610T>G (p.Ser204Ala)

Gene: BRIP1 (BRCA1 interacting DNA helicase 1; minus strand). Cytogenetic location: 17q23.2.
Variant type: single nucleotide variant.
Coding change: c.610T>G on transcript NM_032043.3 (MANE Select); coding-DNA position 610, T replaced by G.
Protein change: p.Ser204Ala; replaces serine 204 with alanine.
Molecular consequence: missense variant.
Genome position (GRCh38, 1-based): chr17:61,847,118, A>C on the plus strand (T>G on the coding strand, the complement: BRIP1 is on the minus strand). VCF-style: chr17-61847118-A-C. GRCh37 (hg19) VCF-style: chr17-59924479-A-C.
Other names: short protein forms S204A.
Identifiers: ClinVar variation 233008 (VCV000233008.17), dbSNP rs761401027, ClinGen allele CA8690902.